The following is an entry in ClinVar:

NM_002234.4(KCNA5):c.180G>A (p.Ala60=)

Gene: KCNA5 (potassium voltage-gated channel subfamily A member 5; plus strand). Cytogenetic location: 12p13.32.
Variant type: single nucleotide variant.
Coding change: c.180G>A on transcript NM_002234.4 (MANE Select); coding-DNA position 180, G replaced by A.
Protein change: p.Ala60=; no amino-acid change (alanine 60 retained).
Molecular consequence: synonymous variant.
Genome position (GRCh38, 1-based): chr12:5,044,327, G>A. VCF-style: chr12-5044327-G-A. GRCh37 (hg19) VCF-style: chr12-5153493-G-A.
Identifiers: ClinVar variation 309334 (VCV000309334.14), dbSNP rs376660949, ClinGen allele CA6399557.

ClinVar aggregate classification (germline): Benign/Likely benign. Review status: criteria provided, multiple submitters, no conflicts (2 of 4 stars). 2 submissions from 2 submitters: Benign (1); Likely benign (1). Last evaluated 2026-01-05.

Conditions:
Atrial fibrillation, familial, 7 (ATFB7). Identifiers: MedGen C2677106, MONDO:0012828, OMIM 612240.

Allele frequency attached by ClinVar (database versions not stated): gnomAD 0.00013 and 0.00073; ESP Exome Variant Server 0.00017; TOPMed 0.00022; 1000 Genomes Project 30x 0.00265; 1000 Genomes Project 0.00300; gnomAD exomes 0.00342; ExAC 0.01212.

Submissions (2):

Labcorp Genetics (formerly Invitae), Labcorp
Classification: Benign for Atrial fibrillation, familial, 7. Last evaluated: 2026-01-05. Review status: criteria provided, single submitter. Criteria: Invitae Variant Classification Sherloc (09022015). Collection method: clinical testing. Allele origin: germline.

Illumina Laboratory Services, Illumina
Classification: Likely benign for Atrial fibrillation, familial, 7. Last evaluated: 2018-01-13. Review status: criteria provided, single submitter. Criteria: ICSL Variant Classification Criteria 13 December 2019. Collection method: clinical testing. Allele origin: germline.
Comment: This variant was observed in the ICSL laboratory as part of a predisposition screen in an ostensibly healthy population. It had not been previously curated by ICSL or reported in the Human Gene Mutation Database (HGMD: prior to June 1st, 2018), and was therefore a candidate for classification through an automated scoring system. Utilizing variant allele frequency, disease prevalence and penetrance estimates, and inheritance mode, an automated score was calculated to assess if this variant is too frequent to cause the disease. Based on the score and internal cut-off values, a variant classified as likely benign is not then subjected to further curation. The score for this variant resulted in a classification of likely benign for this disease.